The following is an entry in ClinVar:

NM_199242.3(UNC13D):c.1240C>T (p.Arg414Cys)

Gene: UNC13D (unc-13 homolog D; minus strand). Cytogenetic location: 17q25.1.
Variant type: single nucleotide variant.
Coding change: c.1240C>T on transcript NM_199242.3 (MANE Select); coding-DNA position 1240, C replaced by T.
Protein change: p.Arg414Cys; replaces arginine 414 with cysteine.
Molecular consequence: missense variant.
Genome position (GRCh38, 1-based): chr17:75,836,630, G>A on the plus strand (C>T on the coding strand, the complement: UNC13D is on the minus strand). VCF-style: chr17-75836630-G-A. GRCh37 (hg19) VCF-style: chr17-73832711-G-A.
Other names: short protein forms R414C.
Identifiers: ClinVar variation 533094 (VCV000533094.47), dbSNP rs750811263, ClinGen allele CA8773066.

ClinVar aggregate classification (germline): Pathogenic/Likely pathogenic. Review status: criteria provided, multiple submitters, no conflicts (2 of 4 stars). 5 submissions from 5 submitters: Pathogenic (4); Likely pathogenic (1). Last evaluated 2026-07-28.

Conditions:
Familial hemophagocytic lymphohistiocytosis (FHL). Also called: Familial erythrophagocytic lymphohistiocytosis; Familial histiocytic reticulosis; Hereditary hemophagocytic lymphohistiocytosis. Identifiers: Orphanet 158038, Orphanet 540, MedGen C0272199, MONDO:0015541.
Familial hemophagocytic lymphohistiocytosis 3 (FHL3). Also called: UNC13D-Related Familial Hemophagocytic Lymphohistiocytosis (UNC13D-fHLH). Identifiers: Orphanet 540, MedGen C1837174, MONDO:0012146, OMIM 608898.

Allele frequency attached by ClinVar (database versions not stated): gnomAD exomes below 0.00001 and 0.00002; TOPMed below 0.00001; ExAC 0.00001; gnomAD 0.00001.
gnomAD v4.1: 25 of 1,613,804 alleles (0.0015%); highest among the groups gnomAD compares: East Asian, 0.0022%; no homozygotes.

Submissions (5):

Department of Medical Genetics, Ordu University Medical School Training and Research Hospital
Classification: Pathogenic for Familial hemophagocytic lymphohistiocytosis 3. Last evaluated: 2026-07-28. Review status: criteria provided, single submitter. Criteria: ACMG Guidelines, 2015. Collection method: clinical testing. Allele origin: biparental. Inheritance: Autosomal recessive inheritance. Observed: 1 variant allele, 1 homozygote.
Comment: Rare in gnomAD v4 with no homozygotes reported (23/1,461,480 alleles in exomes and 2/152,324 in genomes; PM2). Classified as pathogenic or likely pathogenic by multiple submitters in ClinVar without conflicts (VCV000533094).

Labcorp Genetics (formerly Invitae), Labcorp
Classification: Pathogenic for Familial hemophagocytic lymphohistiocytosis 3. Last evaluated: 2025-11-14. Review status: criteria provided, single submitter. Criteria: Invitae Variant Classification Sherloc (09022015). Collection method: clinical testing. Allele origin: germline.
Comment: This sequence change replaces arginine, which is basic and polar, with cysteine, which is neutral and slightly polar, at codon 414 of the UNC13D protein (p.Arg414Cys). This variant is present in population databases (rs750811263, gnomAD 0.002%). This missense change has been observed in individual(s) with atypical hemophagocytic lymphohistiocytosis-like phenotypes (PMID: 23560006, 27123661, 27896523, 28848550, 33746956). ClinVar contains an entry for this variant (Variation ID: 533094). Invitae Evidence Modeling of protein sequence and biophysical properties (such as structural, functional, and spatial information, amino acid conservation, physicochemical variation, residue mobility, and thermodynamic stability) indicates that this missense variant is expected to disrupt UNC13D protein function with a positive predictive value of 80%. Experimental studies have shown that this missense change affects UNC13D function (PMID: 27896523, 36706356). This variant disrupts the p.Arg414 amino acid residue in UNC13D. Other variant(s) that disrupt this residue have been determined to be pathogenic (PMID: 16825436, 27164702, 29665027). This suggests that this residue is clinically significant, and that variants that disrupt this residue are likely to be disease-causing. For these reasons, this variant has been classified as Pathogenic.

GeneDx
Classification: Pathogenic. Last evaluated: 2023-10-19. Review status: criteria provided, single submitter. Criteria: GeneDx Variant Classification Process June 2021. Collection method: clinical testing. Allele origin: germline. Affected: yes.
Comment: Published functional studies demonstrate a damaging effect: reduced Munc13-4 protein stability (Hori et al., 2017); Not observed at significant frequency in large population cohorts (gnomAD); In silico analysis supports that this missense variant has a deleterious effect on protein structure/function; This variant is associated with the following publications: (PMID: 28848550, 36706356, 33746956, 27896523, 27123661)

Women's Health and Genetics/Laboratory Corporation of America, LabCorp
Classification: Pathogenic for Familial hemophagocytic lymphohistiocytosis. Last evaluated: 2022-08-14. Review status: criteria provided, single submitter. Criteria: LabCorp Variant Classification Summary - May 2015. Collection method: clinical testing. Allele origin: germline.
Comment: Variant summary: UNC13D c.1240C>T (p.Arg414Cys) results in a non-conservative amino acid change in the encoded protein sequence. Five of five in-silico tools predict a damaging effect of the variant on protein function. The variant allele was found at a frequency of 4e-06 in 250764 control chromosomes. c.1240C>T has been reported in the literature in multiple individuals affected with Familial Hemophagocytic Lymphohistiocytosis (example, Gokce_2012, Bienemann_2016, Gray_2017, Hori_2017, Shibata_2018, Shabrish_2021). These data indicate that the variant is very likely to be associated with disease. At least one publication reports experimental evidence evaluating an impact on protein function. The most pronounced variant effect results in substantially decreased munc13-4 expression in platelets, alloantigen-specific cytotoxic T lymphocyte (CTL) line and a CTL line immortalized by Herpesvirus saimiri derived from FHL3 patients. This assay has been reported as a reliable tool for FHL3 screening (Shibata_2018, Hori_2017). Two clinical diagnostic laboratories have submitted clinical-significance assessments for this variant to ClinVar after 2014 without evidence for independent evaluation. One laboratory classified the variant as likely pathogenic, and one laboratory classified the variant as uncertain significance. Based on the evidence outlined above, the variant was classified as pathogenic.

CeGaT Center for Human Genetics Tuebingen
Classification: Likely pathogenic. Last evaluated: 2022-01-01. Review status: criteria provided, single submitter. Criteria: CeGaT Center For Human Genetics Tuebingen Variant Classification Criteria Version 2. Collection method: clinical testing. Allele origin: germline. Affected: yes. Observed: 2 variant alleles.

Literature cited by the submitters: PubMed 23560006 (cited by Labcorp Genetics (formerly Invitae), Labcorp and Women's Health and Genetics/Laboratory Corporation of America, LabCorp); PubMed 27123661 (cited by Labcorp Genetics (formerly Invitae), Labcorp and Women's Health and Genetics/Laboratory Corporation of America, LabCorp); PubMed 27896523 (cited by Labcorp Genetics (formerly Invitae), Labcorp and Women's Health and Genetics/Laboratory Corporation of America, LabCorp); PubMed 28848550 (cited by Labcorp Genetics (formerly Invitae), Labcorp and Women's Health and Genetics/Laboratory Corporation of America, LabCorp); PubMed 33746956 (cited by Labcorp Genetics (formerly Invitae), Labcorp and Women's Health and Genetics/Laboratory Corporation of America, LabCorp); PubMed 36706356 (cited by Labcorp Genetics (formerly Invitae), Labcorp); PubMed 16825436 (cited by Labcorp Genetics (formerly Invitae), Labcorp); PubMed 27164702 (cited by Labcorp Genetics (formerly Invitae), Labcorp); PubMed 29665027 (cited by Labcorp Genetics (formerly Invitae), Labcorp); PubMed 29549174 (cited by Women's Health and Genetics/Laboratory Corporation of America, LabCorp).